The following is an entry in ClinVar:

NM_000052.7(ATP7A):c.4300A>C (p.Ile1434Leu)

Gene: ATP7A (ATPase copper transporting alpha; plus strand). Cytogenetic location: Xq21.1.
Variant type: single nucleotide variant.
Coding change: c.4300A>C on transcript NM_000052.7 (MANE Select); coding-DNA position 4300, A replaced by C.
Protein change: p.Ile1434Leu; replaces isoleucine 1434 with leucine.
Molecular consequence: missense variant. On other transcripts: non-coding transcript variant (1).
Genome position (GRCh38, 1-based): chrX:78,046,367, A>C. VCF-style: chrX-78046367-A-C. GRCh37 (hg19) VCF-style: chrX-77301864-A-C.
Other names: c.4066A>C, p.Ile1356Leu (NM_001282224.2); short protein forms I1356L, I1434L.
Identifiers: ClinVar variation 1366007 (VCV001366007.8), dbSNP rs2149113995, ClinGen allele CA413606122.

ClinVar aggregate classification (germline): Uncertain significance (1 of 4 stars; one submission).

Conditions:
Cutis laxa, X-linked (OHS). Also called: EDS IX; Occipital horn syndrome. Identifiers: Orphanet 198, MedGen C0268353, MONDO:0010572, OMIM 304150.
X-linked distal spinal muscular atrophy type 3. Also called: ATP7A-Related Distal Motor Neuropathy; SPINAL MUSCULAR ATROPHY, DISTAL, X-LINKED RECESSIVE; NEUROPATHY, DISTAL HEREDITARY MOTOR, X-LINKED; NEURONOPATHY, DISTAL HEREDITARY MOTOR, X-LINKED. Identifiers: Orphanet 139557, MedGen C1845359, MONDO:0010338, OMIM 300489.
Menkes kinky-hair syndrome (MNK). Also called: Classic Menkes Disease; Copper transport disease; Menkes Disease. Identifiers: Orphanet 565, MedGen C0022716, MONDO:0010651, OMIM 309400.

Submission:

Labcorp Genetics (formerly Invitae), Labcorp
Classification: Uncertain significance for X-linked distal spinal muscular atrophy type 3; Cutis laxa, X-linked; Menkes kinky-hair syndrome. Last evaluated: 2021-04-25. Review status: criteria provided, single submitter. Criteria: Invitae Variant Classification Sherloc (09022015). Collection method: clinical testing. Allele origin: germline.
Comment: In summary, the available evidence is currently insufficient to determine the role of this variant in disease. Therefore, it has been classified as a Variant of Uncertain Significance. Advanced modeling of protein sequence and biophysical properties (such as structural, functional, and spatial information, amino acid conservation, physicochemical variation, residue mobility, and thermodynamic stability) performed at Invitae indicates that this missense variant is not expected to disrupt ATP7A protein function. This variant has not been reported in the literature in individuals with ATP7A-related conditions. This variant is not present in population databases (ExAC no frequency). This sequence change replaces isoleucine with leucine at codon 1434 of the ATP7A protein (p.Ile1434Leu). The isoleucine residue is highly conserved and there is a small physicochemical difference between isoleucine and leucine.